The following is an entry in ClinVar:

NM_025099.6(CTC1):c.3253G>C (p.Val1085Leu)

Gene: CTC1 (CST telomere replication complex component 1; minus strand). Cytogenetic location: 17p13.1.
Variant type: single nucleotide variant.
Coding change: c.3253G>C on transcript NM_025099.6 (MANE Select); coding-DNA position 3253, G replaced by C.
Protein change: p.Val1085Leu; replaces valine 1085 with leucine.
Molecular consequence: missense variant. On other transcripts: non-coding transcript variant (1).
Genome position (GRCh38, 1-based): chr17:8,228,861, C>G on the plus strand (G>C on the coding strand, the complement: CTC1 is on the minus strand). VCF-style: chr17-8228861-C-G. GRCh37 (hg19) VCF-style: chr17-8132179-C-G.
Other names: short protein forms V1085L.
Identifiers: ClinVar variation 662602 (VCV000662602.9), dbSNP rs1209523245, ClinGen allele CA397969381.

ClinVar aggregate classification (germline): Uncertain significance (1 of 4 stars; one submission).

Conditions:
Dyskeratosis congenita. Identifiers: Orphanet 1775, MedGen C0265965, MONDO:0015780.

Allele frequency attached by ClinVar (database versions not stated): TOPMed 0.00002.
gnomAD v4.1: 11 of 1,613,730 alleles (0.00068%); highest among the groups gnomAD compares: East Asian, 0.0045%; no homozygotes.

Submission:

Labcorp Genetics (formerly Invitae), Labcorp
Classification: Uncertain significance for Dyskeratosis congenita. Last evaluated: 2023-10-30. Review status: criteria provided, single submitter. Criteria: Invitae Variant Classification Sherloc (09022015). Collection method: clinical testing. Allele origin: germline.
Comment: This sequence change replaces valine, which is neutral and non-polar, with leucine, which is neutral and non-polar, at codon 1085 of the CTC1 protein (p.Val1085Leu). This variant is present in population databases (no rsID available, gnomAD 0.002%). This variant has not been reported in the literature in individuals affected with CTC1-related conditions. ClinVar contains an entry for this variant (Variation ID: 662602). Advanced modeling of protein sequence and biophysical properties (such as structural, functional, and spatial information, amino acid conservation, physicochemical variation, residue mobility, and thermodynamic stability) performed at Invitae indicates that this missense variant is not expected to disrupt CTC1 protein function with a negative predictive value of 80%. In summary, the available evidence is currently insufficient to determine the role of this variant in disease. Therefore, it has been classified as a Variant of Uncertain Significance.